The following is an entry in ClinVar:

ClinVar aggregate classification (germline): Pathogenic. Review status: criteria provided, multiple submitters, no conflicts (2 of 4 stars). 3 submissions from 3 submitters: Pathogenic (3). Last evaluated 2024-05-14.

Conditions:
VPS13A-related neurodegenerative disease. Also called: LEVINE-CRITCHLEY SYNDROME; Choreoacanthocytosis; VPS13A Disease; ACANTHOCYTOSIS WITH NEUROLOGIC DISORDER; Chorea-acanthocytosis; Choreaacanthocytosis. Identifiers: Orphanet 2388, MedGen C0393576, MONDO:0008695, OMIM 200150.

Submissions (3):

Myriad Genetics, Inc.
Classification: Pathogenic for VPS13A-related neurodegenerative disease. Last evaluated: 2024-05-14. Review status: criteria provided, single submitter. Criteria: Myriad Autosomal Dominant, Autosomal Recessive and X-Linked Classification Criteria (2023). Collection method: clinical testing. Allele origin: unknown.
Comment: NM_033305.2(VPS13A):c.6283delT(S2095Qfs*10) is expected to be pathogenic in the context of VPS13A disease. This variant is predicted to lead to an abnormal or absent protein product due to the creation of a premature termination codon in VPS13A, a gene where loss-of-function variants are known to be pathogenic. Please note: this variant was assessed in the context of healthy population screening.

Labcorp Genetics (formerly Invitae), Labcorp
Classification: Pathogenic. Last evaluated: 2024-02-03. Review status: criteria provided, single submitter. Criteria: Invitae Variant Classification Sherloc (09022015). Collection method: clinical testing. Allele origin: germline.
Comment: This sequence change creates a premature translational stop signal (p.Ser2095Glnfs*10) in the VPS13A gene. It is expected to result in an absent or disrupted protein product. Loss-of-function variants in VPS13A are known to be pathogenic (PMID: 12404112, 21598378). This variant is not present in population databases (gnomAD no frequency). This premature translational stop signal has been observed in individual(s) with choreoacanthocytosis (PMID: 12404112). ClinVar contains an entry for this variant (Variation ID: 667398). Algorithms developed to predict the effect of sequence changes on RNA splicing suggest that this variant may disrupt the consensus splice site. For these reasons, this variant has been classified as Pathogenic.

Laboratory for Molecular Medicine, Mass General Brigham Personalized Medicine
Classification: Pathogenic for Choreoacanthocytosis. Last evaluated: 2018-09-26. Review status: criteria provided, single submitter. Criteria: LMM Criteria. Collection method: clinical testing. Allele origin: germline. Inheritance: Autosomal recessive inheritance. Observed: 1 variant allele.
Comment: The p.Ser2095GlnfsX10 variant in VPS13A has been reported in one individual with chorea-acanthocytosis in the compound heterozygote state (phase not confirmed) with another loss of function variant (Dobson-Stone 2002). It was absent from la rge population studies. This variant is predicted to cause a frameshift, which a lters the protein?s amino acid sequence beginning at position 2095 and leads to a premature termination codon 10 amino acids downstream. This alteration is then predicted to lead to a truncated or absent protein. Loss of function of the VPS 13A gene is an established disease mechanism in autosomal recessive chorea-acant hocytosis. In summary, this variant meets criteria to be classified as pathogeni c for autosomal recessive chorea-acanthocytosis based on case observations, abse nce from controls, and predicted impact on protein. ACMG/AMP criteria applied: P VS1, PM2, PM3_Supporting.

Literature cited by the submitters: PubMed 12404112 (cited by Labcorp Genetics (formerly Invitae), Labcorp and Laboratory for Molecular Medicine, Mass General Brigham Personalized Medicine); PubMed 21598378 (cited by Labcorp Genetics (formerly Invitae), Labcorp).

NM_033305.3(VPS13A):c.6283del (p.Ser2095fs)

Gene: VPS13A (vacuolar protein sorting 13 homolog A; plus strand). Cytogenetic location: 9q21.2.
Variant type: Deletion.
Coding change: c.6283del on transcript NM_033305.3 (MANE Select); coding-DNA position 6283, one base deleted (T; older notation c.6283delT).
Protein change: p.Ser2095fs; shifts the reading frame from serine 2095.
Molecular consequence: frameshift variant.
Genome position (GRCh38, 1-based): chr9:77,337,442, T deleted; the last of 2 consecutive T bases (chr9:77,337,441-77,337,442); deleting either gives the same sequence. VCF-style (leftmost placement, unchanged base first): chr9-77337440-AT-A. GRCh37 (hg19) VCF-style: chr9-79952356-AT-A.
Other names: c.6166del, p.Ser2056fs (NM_001018037.2); c.6283del, p.Ser2095fs (NM_001018038.3, NM_015186.4); short protein forms S2095fs, S2056fs.
Identifiers: ClinVar variation 667398 (VCV000667398.10), dbSNP rs1587612257, ClinGen allele CA915947006.